The following is an entry in ClinVar:

NM_001005567.3(OR51B5):c.-359-55753G>A

Genes: OR51B5 (olfactory receptor family 51 subfamily B member 5; minus strand), OR51J1 (olfactory receptor family 51 subfamily J member 1; plus strand). Cytogenetic location: 11p15.4.
Variant type: single nucleotide variant.
Coding change: c.-359-55753G>A on transcript NM_001005567.3; 55753 bases into the intron before 359 bases upstream of the start codon, G replaced by A.
Molecular consequence: intron variant.
Genome position (GRCh38, 1-based): chr11:5,402,663, C>T on the plus strand (G>A on the coding strand, the complement: OR51B5 is on the minus strand). VCF-style: chr11-5402663-C-T. GRCh37 (hg19) VCF-style: chr11-5423893-C-T.
Identifiers: ClinVar variation 2641538 (VCV002641538.22), dbSNP rs1442768606, ClinGen allele CA472888863.

ClinVar aggregate classification (germline): Likely benign (1 of 4 stars; one submission).

Allele frequency attached by ClinVar (database versions not stated): TOPMed 0.00003; gnomAD 0.00004.
gnomAD v4.1: 14 of 471,192 alleles (0.003%); highest among the groups gnomAD compares: Non-Finnish European, 0.0062%; no homozygotes.

Submission:

CeGaT Center for Human Genetics Tuebingen
Classification: Likely benign. Last evaluated: 2023-04-01. Review status: criteria provided, single submitter. Criteria: CeGaT Center For Human Genetics Tuebingen Variant Classification Criteria Version 2. Collection method: clinical testing. Allele origin: germline. Affected: yes. Observed: 1 variant allele.
Comment: OR51J1: BP4, BP7